The following is an entry in ClinVar:

ClinVar aggregate classification (germline): Likely pathogenic (1 of 4 stars; one submission).

Submission:

Clinical Genomics Laboratory, Laboratory for Precision Diagnostics, University of Washington
Classification: Likely pathogenic. Last evaluated: 2024-12-09. Review status: criteria provided, single submitter. Criteria: ACMG/ClinGen CNV Guidelines, 2019. Collection method: clinical testing. Allele origin: paternal. Affected: yes. Observed: 1 variant allele.
Comment: This interstitial duplication is approximately 34.7 kb in size. The centromeric breakpoint is likely between exons 1 and 3 of CYP11B1 (NM_000497.4; the gene for 11β-hydroxylase) and the telomeric breakpoint is likely between exons 2 and 5 of CYP11B2 (NM_000498.3; the gene for aldosterone synthase). This duplication may be the known pathogenic fusion gene between 11β-hydroxylase and aldosterone synthase that causes glucocorticoid-remediable aldosteronism (GRA, also known as familial hyperaldosteronism type 1; see PMID: 21565670 for a review). However, this microarray test cannot conclusively confirm whether this duplication would disrupt CYP11B1 or CYP11B2, affect their expression, or create this pathogenic fusion. Confirmatory diagnostic testing should be done.

Literature cited by the submitters: PubMed 26934393; PubMed 21565670.

GRCh38/hg38 8q24.3(chr8:142879589-142914327)x3

Genes: CYP11B1 (cytochrome P450 family 11 subfamily B member 1; minus strand), CYP11B2 (cytochrome P450 family 11 subfamily B member 2; minus strand), LOC106799834 (CYP11B2 recombination region; plus strand), LOC110673972 (CYP11B1 promoter; plus strand). Cytogenetic location: 8q24.3.
Variant type: copy number gain.
Change: copy number 3 (three copies instead of two) of chr8:142,879,589-142,914,327 (34.7 kb, GRCh38 coordinates, 1-based), cytogenetic band 8q24.3.
Identifiers: ClinVar variation 4974705 (VCV004974705.1).